The following is an entry in ClinVar:

ClinVar aggregate classification (germline): Uncertain significance (1 of 4 stars; one submission).

Conditions:
Hypertrophic cardiomyopathy. Also called: HYPERTROPHIC MYOCARDIOPATHY. Identifiers: Orphanet 217569, MedGen C0007194, MeSH D002312, MONDO:0005045, HP:0001639.

Submission:

Labcorp Genetics (formerly Invitae), Labcorp
Classification: Uncertain significance for Hypertrophic cardiomyopathy. Last evaluated: 2025-06-27. Review status: criteria provided, single submitter. Criteria: Invitae Variant Classification Sherloc (09022015). Collection method: clinical testing. Allele origin: germline.
Comment: This sequence change replaces histidine, which is basic and polar, with leucine, which is neutral and non-polar, at codon 926 of the MYBPC3 protein (p.His926Leu). This variant is not present in population databases (gnomAD no frequency). This variant has not been reported in the literature in individuals affected with MYBPC3-related conditions. An algorithm developed to predict the effect of missense changes on protein structure and function (PolyPhen-2) suggests that this variant is likely to be tolerated. In summary, the available evidence is currently insufficient to determine the role of this variant in disease. Therefore, it has been classified as a Variant of Uncertain Significance.

NM_000256.3(MYBPC3):c.2777A>T (p.His926Leu)

Gene: MYBPC3 (myosin binding protein C3; minus strand). Cytogenetic location: 11p11.2.
Variant type: single nucleotide variant.
Coding change: c.2777A>T on transcript NM_000256.3 (MANE Select); coding-DNA position 2777, A replaced by T.
Protein change: p.His926Leu; replaces histidine 926 with leucine.
Molecular consequence: missense variant.
Genome position (GRCh38, 1-based): chr11:47,335,170, T>A on the plus strand (A>T on the coding strand, the complement: MYBPC3 is on the minus strand). VCF-style: chr11-47335170-T-A. GRCh37 (hg19) VCF-style: chr11-47356721-T-A.
Other names: short protein forms H926L.
Identifiers: ClinVar variation 4765753 (VCV004765753.1).